The following is an entry in ClinVar:

ClinVar aggregate classification (germline): Uncertain significance (1 of 4 stars; one submission).

Conditions:
Arginase deficiency. Also called: ARGININEMIA; ARG1 DEFICIENCY; Arginase 1 Deficiency. Identifiers: Orphanet 90, MedGen C0268548, MONDO:0008814, OMIM 207800.

Allele frequency attached by ClinVar (database versions not stated): TOPMed 0.00001; gnomAD 0.00001.
gnomAD v4.1: 3 of 1,613,774 alleles (0.00019%); highest among the groups gnomAD compares: Non-Finnish European, 0.00025%; no homozygotes.

Submission:

Labcorp Genetics (formerly Invitae), Labcorp
Classification: Uncertain significance for Arginase deficiency. Last evaluated: 2022-07-19. Review status: criteria provided, single submitter. Criteria: Invitae Variant Classification Sherloc (09022015). Collection method: clinical testing. Allele origin: germline.
Comment: This sequence change replaces valine, which is neutral and non-polar, with glycine, which is neutral and non-polar, at codon 123 of the ARG1 protein (p.Val123Gly). This variant is not present in population databases (gnomAD no frequency). This variant has not been reported in the literature in individuals affected with ARG1-related conditions. ClinVar contains an entry for this variant (Variation ID: 1478347). Algorithms developed to predict the effect of missense changes on protein structure and function (SIFT, PolyPhen-2, Align-GVGD) all suggest that this variant is likely to be disruptive. In summary, the available evidence is currently insufficient to determine the role of this variant in disease. Therefore, it has been classified as a Variant of Uncertain Significance.

NM_000045.4(ARG1):c.368T>G (p.Val123Gly)

Genes: ARG1 (arginase 1; plus strand), MED23 (mediator complex subunit 23; minus strand). Cytogenetic location: 6q23.2.
Variant type: single nucleotide variant.
Coding change: c.368T>G on transcript NM_000045.4 (MANE Select); coding-DNA position 368, T replaced by G.
Protein change: p.Val123Gly; replaces valine 123 with glycine.
Molecular consequence: missense variant. On other transcripts: non-coding transcript variant (1), intron variant (3).
Genome position (GRCh38, 1-based): chr6:131,581,281, T>G. VCF-style: chr6-131581281-T-G. GRCh37 (hg19) VCF-style: chr6-131902421-T-G.
Other names: c.392T>G, p.Val131Gly (NM_001244438.2); c.306-1779T>G (NM_001369020.1); c.4077+6428A>C (NM_001270521.2); c.4095+6428A>C (NM_015979.4); short protein forms V123G, V131G.
Identifiers: ClinVar variation 1478347 (VCV001478347.6), dbSNP rs913575060, ClinGen allele CA365651019.
Genomic context (GRCh38, chr6:131,581,281, plus strand): 5'-TGGCAATTGGAAGCATCTCTGGCCATGCCAGGGTCCACCCTGATCTTGGAGTCATCTGGG[T>G]GGATGCTCACACTGATATCAACACTCCACTGACAACCACAAGTGGAAACTTGCATGGACA-3'
Protein context (NP_000036.2, residues 113-133): RVHPDLGVIW[Val123Gly]DAHTDINTPL